The following is an entry in ClinVar:

ClinVar aggregate classification (germline): Uncertain significance (1 of 4 stars; one submission).

Conditions:
Lymphoproliferative syndrome 2 (LPFS2). Also called: CD27 DEFICIENCY; Combined immunodeficiency due to CD27 deficiency. Identifiers: Orphanet 238505, MedGen C3554540, MONDO:0014054, OMIM 615122.

Allele frequency attached by ClinVar (database versions not stated): gnomAD 0.00001; gnomAD exomes 0.00002.
gnomAD v4.1: 30 of 1,613,498 alleles (0.0019%); highest among the groups gnomAD compares: South Asian, 0.013%; no homozygotes.

Submission:

Labcorp Genetics (formerly Invitae), Labcorp
Classification: Uncertain significance for Lymphoproliferative syndrome 2. Last evaluated: 2022-09-13. Review status: criteria provided, single submitter. Criteria: Invitae Variant Classification Sherloc (09022015). Collection method: clinical testing. Allele origin: germline.
Comment: This sequence change replaces arginine, which is basic and polar, with glutamine, which is neutral and polar, at codon 131 of the CD27 protein (p.Arg131Gln). In summary, the available evidence is currently insufficient to determine the role of this variant in disease. Therefore, it has been classified as a Variant of Uncertain Significance. Advanced modeling of protein sequence and biophysical properties (such as structural, functional, and spatial information, amino acid conservation, physicochemical variation, residue mobility, and thermodynamic stability) performed at Invitae indicates that this missense variant is not expected to disrupt CD27 protein function. This variant has not been reported in the literature in individuals affected with CD27-related conditions. This variant is present in population databases (rs776987985, gnomAD 0.003%).

NM_001242.5(CD27):c.392G>A (p.Arg131Gln)

Genes: CD27 (CD27 molecule; plus strand), CD27-AS1 (CD27 antisense RNA 1; minus strand). Cytogenetic location: 12p13.31.
Variant type: single nucleotide variant.
Coding change: c.392G>A on transcript NM_001242.5 (MANE Select); coding-DNA position 392, G replaced by A.
Protein change: p.Arg131Gln; replaces arginine 131 with glutamine.
Molecular consequence: missense variant.
Genome position (GRCh38, 1-based): chr12:6,450,296, G>A. VCF-style: chr12-6450296-G-A. GRCh37 (hg19) VCF-style: chr12-6559462-G-A.
Other names: c.485G>A, p.Arg162Gln (NM_001413263.1); c.365G>A, p.Arg122Gln (NM_001413264.1); c.-59G>A (NM_001413266.1, NM_001413267.1, NM_001413268.1); short protein forms R122Q, R131Q, R162Q.
Identifiers: ClinVar variation 2419588 (VCV002419588.3), dbSNP rs776987985, ClinGen allele CA6406959.